The following is an entry in ClinVar:

ClinVar aggregate classification (germline): Pathogenic. Review status: criteria provided, multiple submitters, no conflicts (2 of 4 stars). 2 submissions from 2 submitters: Pathogenic (2). Last evaluated 2024-01-22.

Conditions:
Hereditary cancer-predisposing syndrome. Also called: Neoplastic Syndromes, Hereditary; Hereditary neoplastic syndrome; Tumor predisposition; Hereditary Cancer Syndrome. Identifiers: Orphanet 140162, MedGen C0027672, MeSH D009386, MONDO:0015356.
DICER1-related tumor predisposition. Also called: DICER1 syndrome; DICER1-related pleuropulmonary blastoma cancer predisposition syndrome. Identifiers: Orphanet 284343, MedGen C3839822, MONDO:0100216.

Submissions (2):

Ambry Genetics
Classification: Pathogenic for Hereditary cancer-predisposing syndrome. Last evaluated: 2024-01-22. Review status: criteria provided, single submitter. Criteria: Ambry Variant Classification Scheme 2023. Collection method: clinical testing. Allele origin: germline.
Comment: The c.3669_3670delCA pathogenic mutation, located in coding exon 20 of the DICER1 gene, results from a deletion of two nucleotides at nucleotide positions 3669 to 3670, causing a translational frameshift with a predicted alternate stop codon (p.Y1223*). This alteration is expected to result in loss of function by premature protein truncation or nonsense-mediated mRNA decay. As such, this alteration is interpreted as a disease-causing mutation.

Labcorp Genetics (formerly Invitae), Labcorp
Classification: Pathogenic for DICER1-related tumor predisposition. Last evaluated: 2020-06-17. Review status: criteria provided, single submitter. Criteria: Invitae Variant Classification Sherloc (09022015). Collection method: clinical testing. Allele origin: germline.
Comment: This sequence change creates a premature translational stop signal (p.Tyr1223*) in the DICER1 gene. It is expected to result in an absent or disrupted protein product. This variant is not present in population databases (ExAC no frequency). This variant has not been reported in the literature in individuals with DICER1-related conditions. Loss-of-function variants in DICER1 are known to be pathogenic (PMID: 19556464, 21266384). For these reasons, this variant has been classified as Pathogenic.

Literature cited by the submitters: PubMed 19556464 (cited by Labcorp Genetics (formerly Invitae), Labcorp); PubMed 21266384 (cited by Labcorp Genetics (formerly Invitae), Labcorp).

NM_177438.3(DICER1):c.3669_3670del (p.Tyr1223_Ser1224delinsTer)

Gene: DICER1 (dicer 1, ribonuclease III; minus strand). Cytogenetic location: 14q32.13.
Variant type: Deletion.
Coding change: c.3669_3670del on transcript NM_177438.3 (MANE Select); coding-DNA positions 3669 to 3670, 2 bases deleted (CA; older notation c.3669_3670delCA).
Protein change: p.Tyr1223_Ser1224delinsTer.
Molecular consequence: nonsense.
Genome position (GRCh38, 1-based): chr14:95,103,726-95,103,727, TG deleted on the plus strand (CA on the coding strand, the reverse complement: DICER1 is on the minus strand); deleting any 2 consecutive bases within chr14:95,103,726-95,103,728 gives the same sequence; the c. name uses the placement nearest the transcript's 3' end. VCF-style (leftmost placement, unchanged base first): chr14-95103725-CTG-C. GRCh37 (hg19) VCF-style: chr14-95570062-CTG-C.
Other names: c.3669_3670delCA (NM_177438.2); c.3669_3670del, p.Tyr1223_Ser1224delinsTer (NM_001195573.1, NM_001271282.3, NM_001291628.2 and 1 more transcripts).
Identifiers: ClinVar variation 1075588 (VCV001075588.9), dbSNP rs2139962772, ClinGen allele CA2499222803.
Genomic context (GRCh38, chr14:95,103,725, plus strand): 5'-TCAAGGTATTTATTACTCAGGAGAGTACATTCATCGCTGGGCTGGGGCTGGTTCTCGTAA[CTG>C]TATAAATTCTGAATGGAATATGAGGTAGTTGGTTGCACGGGTATTTCCTGCTTGTAGTAA-3'